The following is an entry in ClinVar:

ClinVar aggregate classification (germline): Conflicting classifications of pathogenicity. Review status: criteria provided, conflicting classifications (1 of 4 stars). 5 submissions from 5 submitters: Uncertain significance (2); Benign (1); Likely benign (2). Last evaluated 2026-03-09.

Conditions:
Hereditary cancer-predisposing syndrome. Also called: Tumor predisposition; Hereditary Cancer Syndrome; Neoplastic Syndromes, Hereditary; Hereditary neoplastic syndrome. Identifiers: Orphanet 140162, MedGen C0027672, MeSH D009386, MONDO:0015356.
Tuberous sclerosis 1 (TSC1). Identifiers: Orphanet 805, MedGen C1854465, MONDO:0008612, OMIM 191100.
Tuberous sclerosis syndrome (TSC). Also called: Tuberous sclerosis; Tuberous Sclerosis Complex. Identifiers: Orphanet 805, MedGen C0041341, MONDO:0001734.

Allele frequency attached by ClinVar (database versions not stated): gnomAD exomes below 0.00001; ExAC 0.00001; gnomAD 0.00002; TOPMed 0.00002.
gnomAD v4.1: 9 of 1,613,980 alleles (0.00056%); highest among the groups gnomAD compares: African/African-American, 0.004%; no homozygotes.

Submissions (5):

Ambry Genetics
Classification: Likely benign for Hereditary cancer-predisposing syndrome. Last evaluated: 2026-03-09. Review status: criteria provided, single submitter. Criteria: Ambry Variant Classification Scheme 2023. Collection method: clinical testing. Allele origin: germline.

Labcorp Genetics (formerly Invitae), Labcorp
Classification: Benign for Tuberous sclerosis 1. Last evaluated: 2025-12-29. Review status: criteria provided, single submitter. Criteria: Invitae Variant Classification Sherloc (09022015). Collection method: clinical testing. Allele origin: germline.

All of Us Research Program, National Institutes of Health
Classification: Uncertain significance for Tuberous sclerosis syndrome. Last evaluated: 2024-07-20. Review status: criteria provided, single submitter. Criteria: ACMG Guidelines, 2015. Collection method: clinical testing. Allele origin: germline. Inheritance: Autosomal dominant inheritance. Observed: 8 variant alleles, 8 heterozygotes.
Comment: This missense variant replaces threonine with alanine at codon 124 of the TSC1 protein. Computational prediction is inconclusive regarding the impact of this variant on protein structure and function (internally defined REVEL score threshold 0.5 < inconclusive < 0.7, PMID: 27666373). To our knowledge, functional studies have not been reported for this variant. This variant has not been reported in individuals affected with hereditary cancer in the literature. This variant has been identified in 1/251386 chromosomes in the general population by the Genome Aggregation Database (gnomAD). The available evidence is insufficient to determine the role of this variant in disease conclusively. Therefore, this variant is classified as a Variant of Uncertain Significance.

This study involves interpretation of variants in research participants for the purpose of population health screening. Participant phenotype was not available at the time of variant classification. Additional details can be found in publication PMID: 35346344, PMCID: PMC8962531

Genome-Nilou Lab
Classification: Likely benign for Tuberous sclerosis 1. Last evaluated: 2021-11-07. Review status: criteria provided, single submitter. Criteria: ACMG Guidelines, 2015. Collection method: clinical testing. Allele origin: germline. Affected: no.

GeneDx
Classification: Uncertain significance. Last evaluated: 2019-10-03. Review status: criteria provided, single submitter. Criteria: GeneDx Variant Classification Process June 2021. Collection method: clinical testing. Allele origin: germline. Affected: yes.
Comment: In silico analysis, which includes protein predictors and evolutionary conservation, supports that this variant does not alter protein structure/function; Has not been previously published as pathogenic or benign to our knowledge

NM_000368.5(TSC1):c.370A>G (p.Thr124Ala)

Gene: TSC1 (TSC complex subunit 1; minus strand). Cytogenetic location: 9q34.13.
Variant type: single nucleotide variant.
Coding change: c.370A>G on transcript NM_000368.5 (MANE Select); coding-DNA position 370, A replaced by G.
Protein change: p.Thr124Ala; replaces threonine 124 with alanine.
Molecular consequence: missense variant.
Genome position (GRCh38, 1-based): chr9:132,923,486, T>C on the plus strand (A>G on the coding strand, the complement: TSC1 is on the minus strand). VCF-style: chr9-132923486-T-C. GRCh37 (hg19) VCF-style: chr9-135798873-T-C.
Other names: c.370A>G, p.Thr124Ala (NM_001162426.2); c.217A>G, p.Thr73Ala (NM_001162427.2); c.7A>G, p.Thr3Ala (NM_001362177.2); short protein forms T124A, T73A, T3A.
Identifiers: ClinVar variation 534469 (VCV000534469.23), dbSNP rs745871522, ClinGen allele CA037338.
Genomic context (GRCh38, chr9:132,923,486, plus strand): 5'-GAATCATTGGTAGCATGGTTATCAACACCAAGACGCCTGTTGTGAGGACAACGACGTCAG[T>C]GTCCATCTGCAGGAGAAAAGGTCAAACAGGAAACGTCTGTCAGGCACTGGCACCAGGATC-3'
Protein context (NP_000359.1, residues 114-134): PSLLKCLKMD[Thr124Ala]DVVVLTTGVL